The following is an entry in ClinVar:

NM_001001344.3(ATP2B3):c.3320G>A (p.Gly1107Asp)

Gene: ATP2B3 (ATPase plasma membrane Ca2+ transporting 3; plus strand). Cytogenetic location: Xq28.
Variant type: single nucleotide variant.
Coding change: c.3320G>A on transcript NM_001001344.3 (MANE Select); coding-DNA position 3320, G replaced by A.
Protein change: p.Gly1107Asp; replaces glycine 1107 with aspartic acid.
Molecular consequence: missense variant.
Genome position (GRCh38, 1-based): chrX:153,565,081, G>A. VCF-style: chrX-153565081-G-A. GRCh37 (hg19) VCF-style: chrX-152830539-G-A.
Other names: c.3320G>A, p.Gly1107Asp (NM_001388360.1, NM_001388361.1, NM_001388362.1 and 1 more transcripts); short protein forms G1107D.
Identifiers: ClinVar variation 39839 (VCV000039839.4), dbSNP rs397514619, ClinGen allele CA130624.

ClinVar aggregate classification (germline): Likely pathogenic. Review status: criteria provided, multiple submitters, no conflicts (2 of 4 stars). 3 submissions from 3 submitters: Likely pathogenic (2). 1 of the submissions does not count toward it. Last evaluated 2021-03-31.

Conditions:
Inborn genetic diseases. Identifiers: MedGen C0950123, MeSH D030342.
X-linked progressive cerebellar ataxia. Also called: Spinocerebellar ataxia, X-linked 1; OLIVOPONTOCEREBELLAR ATROPHY, X-LINKED; OPCA, X-LINKED. Identifiers: Orphanet 1175, MedGen C0796205, MONDO:0010547, OMIM 302500.

Allele frequency attached by ClinVar (database versions not stated): gnomAD exomes below 0.00001; ExAC 0.00004.
gnomAD v4.1: 2 of 1,190,572 alleles (0.00017%); highest among the groups gnomAD compares: Admixed American, 0.0046%; no homozygotes.

Submissions (3):

Ambry Genetics
Classification: Likely pathogenic for Inborn genetic diseases. Last evaluated: 2021-03-31. Review status: criteria provided, single submitter. Criteria: Ambry Variant Classification Scheme 2023. Collection method: clinical testing. Allele origin: germline.
Comment: The c.3320G>A (p.G1107D) alteration is located in coding exon 19 of the ATP2B3 gene. This alteration results from a G to A substitution at nucleotide position 3320, causing the glycine (G) at amino acid position 1107 to be replaced by an aspartic acid (D). Based on data from the Genome Aggregation Database (gnomAD), the ATP2B3 c.3320G>A alteration was observed in 0.0014% (2/139053) of total alleles studied, with a frequency of 0.0087% (2/23071) in the Latino/Admixed American subpopulation; however this variant was flagged as a low confidence call. No hemizygotes were observed. This alteration has been observed to co-segregate with disease in an X-linked recessive fashion in 2 unrelated families in which affected males presented with childhood ataxia and various other movement abnormalities (Bertini, 2000; Feyma, 2016; Zanni, 2012) The p.G1107 amino acid is conserved in most available vertebrate species. Functional analysis demonstrated that the p.G1107D alteration interferes with the calmodulin-binding domain (CaM-BD) and it's ability to bind to calmodulin in order to activate the enzyme. In addition, protein with the p.G1107D alteration also has a dysfunctional autoinhibitory mechanism (Cal&igrave;, 2017). Further in vitro studies observed that overexpressed enzyme with this alteration retains Ca2+ in the cells longer than wildtype suggesting impaired transporting activity (Zanni, 2012). The p.G1107D alteration is predicted to be deleterious by in silico analysis. Based on the available evidence, this alteration is classified as likely pathogenic.

GeneDx
Classification: Likely pathogenic. Last evaluated: 2017-03-15. Review status: criteria provided, single submitter. Criteria: GeneDx Variant Classification (06012015). Collection method: clinical testing. Allele origin: germline. Affected: yes.
Comment: The G1107D variant in the ATP2B3 gene has been reported previously as a hemizygous in an uncle and his nephew with spinocerebellar ataxia-1 (Zanni et al., 2012). Functional studies expressing the mutated protein in Hela cells showed impaired extrusion of intracellular calcium with prolonged retention of cytoplasmic calcium (Zanni et al., 2012). The G1107D variant is not observed at a significant frequency in large population cohorts (Lek et al., 2016; 1000 Genomes Consortium et al., 2015; Exome Variant Server). The G1107D variant is a non-conservative amino acid substitution, which is likely to impact secondary protein structure as these residues differ in polarity, charge, size and/or other properties. This substitution occurs at a position that is conserved across species. In silico analysis predicts this variant is probably damaging to the protein structure/function. The G1107D variant is a strong candidate for a pathogenic variant, however the possibility it may be a rare benign variant cannot be excluded.

OMIM
Classification: Pathogenic for SPINOCEREBELLAR ATAXIA, X-LINKED 1 (1 family). Last evaluated: 2012-09-04. Review status: no assertion criteria provided. Collection method: literature only. Allele origin: germline. Not counted in ClinVar's aggregate classification.

Literature cited by the submitters: PubMed 10797423 (cited by Ambry Genetics and OMIM); PubMed 22912398 (cited by Ambry Genetics and OMIM); PubMed 27632770 (cited by Ambry Genetics); PubMed 27653636 (cited by Ambry Genetics).